The following is an entry in ClinVar:

ClinVar aggregate classification (germline): Pathogenic/Likely pathogenic. Review status: criteria provided, multiple submitters, no conflicts (2 of 4 stars). 7 submissions from 7 submitters: Pathogenic (5); Likely pathogenic (1). 1 of the submissions does not count toward it. Last evaluated 2026-01-13.

Conditions:
Argininosuccinate lyase deficiency. Also called: Argininosuccinic aciduria; ARGININOSUCCINIC ACID LYASE DEFICIENCY; ASL DEFICIENCY. Identifiers: Orphanet 23, MedGen C0268547, MONDO:0008815, OMIM 207900, HP:0025630.

Allele frequency attached by ClinVar (database versions not stated): gnomAD exomes below 0.00001; TOPMed below 0.00001; ExAC 0.00001.
gnomAD v4.1: 3 of 1,614,114 alleles (0.00019%); highest among the groups gnomAD compares: Admixed American, 0.0017%; no homozygotes.

Submissions (7):

Labcorp Genetics (formerly Invitae), Labcorp
Classification: Pathogenic for Argininosuccinate lyase deficiency. Last evaluated: 2026-01-13. Review status: criteria provided, single submitter. Criteria: Invitae Variant Classification Sherloc (09022015). Collection method: clinical testing. Allele origin: germline.
Comment: This sequence change replaces arginine, which is basic and polar, with tryptophan, which is neutral and slightly polar, at codon 236 of the ASL protein (p.Arg236Trp). This variant is present in population databases (rs761268464, gnomAD 0.003%). This missense change has been observed in individual(s) with argininosuccinic aciduria (PMID: 17326097, 19703900, 24166829). ClinVar contains an entry for this variant (Variation ID: 941054). Invitae Evidence Modeling of protein sequence and biophysical properties (such as structural, functional, and spatial information, amino acid conservation, physicochemical variation, residue mobility, and thermodynamic stability) indicates that this missense variant is expected to disrupt ASL protein function with a positive predictive value of 95%. Experimental studies have shown that this missense change affects ASL function (PMID: 19703900). Algorithms developed to predict the effect of sequence changes on RNA splicing suggest that this variant may disrupt the consensus splice site. This variant disrupts the p.Arg236 amino acid residue in ASL. Other variant(s) that disrupt this residue have been determined to be pathogenic (PMID: 24166829; internal data). This suggests that this residue is clinically significant, and that variants that disrupt this residue are likely to be disease-causing. For these reasons, this variant has been classified as Pathogenic.

3billion
Classification: Likely pathogenic for Argininosuccinate lyase deficiency. Last evaluated: 2025-12-11. Review status: criteria provided, single submitter. Criteria: ACMG Guidelines, 2015. Collection method: clinical testing. Allele origin: germline. Affected: yes.
Comment: The variant is observed at an extremely low frequency in the gnomAD v4.1.0 dataset (total allele frequency: <0.001%). Predicted Consequence/Location: Missense variant In silico tool predictions suggest damaging effect of the variant on gene or gene product [REVEL: 0.95 (>=0.6, sensitivity 0.68 and specificity 0.92); 3Cnet: 0.99 (> 0.75, sensitivity 0.96 and precision 0.92)]. The same nucleotide change resulting in the same amino acid change has been previously reported as pathogenic/likely pathogenic with strong evidence (ClinVar ID: VCV000941054 /PMID: 17326097). A different missense change at the same codon (p.Arg236Gln) has been reported as pathogenic/likely pathogenic with strong evidence (ClinVar ID: VCV000555574 /PMID: 24166829 /3billion dataset). Therefore, this variant is classified as Likely pathogenic according to the recommendation of ACMG/AMP guideline.

Baylor Genetics
Classification: Pathogenic for Argininosuccinate lyase deficiency. Last evaluated: 2023-10-11. Review status: criteria provided, single submitter. Criteria: ACMG Guidelines, 2015. Collection method: clinical testing. Allele origin: unknown.

Women's Health and Genetics/Laboratory Corporation of America, LabCorp
Classification: Pathogenic for Argininosuccinate lyase deficiency. Last evaluated: 2023-07-12. Review status: criteria provided, single submitter. Criteria: LabCorp Variant Classification Summary - May 2015. Collection method: clinical testing. Allele origin: germline.
Comment: Variant summary: ASL c.706C>T (p.Arg236Trp) results in a non-conservative amino acid change located in the fumarate lyase, N-terminal domain (IPR022761) of the encoded protein sequence. Five of five in-silico tools predict a damaging effect of the variant on protein function. The variant allele was found at a frequency of 4e-06 in 251328 control chromosomes (gnomAD). c.706C>T has been reported in the literature as a biallelic genotype in individuals affected with Argininosuccinic Aciduria, primarily with an early onset of the disease (e.g. Trevisson_2007, Trevisson_2009, Balmer_2014, Zielonka_2020). These data indicate that the variant is likely to be associated with disease. At least two publications report experimental evidence evaluating an impact on protein function and found the variant effect results in <10% of normal activity (Trevisson_2009, Zielonka_2020). The following publications have been ascertained in the context of this evaluation (PMID: 24166829, 17326097, 19703900, 31943503). Three submitters have cited clinical-significance assessments for this variant to ClinVar after 2014 and all classified the variant as pathogenic. Based on the evidence outlined above, the variant was classified as pathogenic.

Institute of Human Genetics, University of Leipzig Medical Center
Classification: Pathogenic for Argininosuccinate lyase deficiency. Last evaluated: 2017-06-19. Review status: criteria provided, single submitter. Criteria: ACMG Guidelines, 2015. Collection method: clinical testing. Allele origin: germline. Affected: yes. Observed: 1 variant allele.

Juno Genomics, Hangzhou Juno Genomics, Inc
Classification: Pathogenic for Argininosuccinate lyase deficiency. Review status: criteria provided, single submitter. Criteria: ACMG Guidelines, 2015. Collection method: clinical testing. Allele origin: germline.
Comment: Absent from controls (or at extremely low frequency if recessive) in Genome Aggregation Database.;Well-established in vitro or in vivo functional studies supportive of a damaging effect on the gene or gene product.;For recessive disorders, detected in trans with a pathogenic variant.;Patient's phenotype or family history is highly specific for a disease with a single genetic etiology.

Natera, Inc.
Classification: Pathogenic for Argininosuccinate lyase deficiency. Last evaluated: 2020-12-04. Review status: no assertion criteria provided. Collection method: clinical testing. Allele origin: germline. Not counted in ClinVar's aggregate classification.

Literature cited by the submitters: PubMed 17326097 (cited by 3 submitters); PubMed 19703900 (cited by Labcorp Genetics (formerly Invitae), Labcorp and Women's Health and Genetics/Laboratory Corporation of America, LabCorp); PubMed 24166829 (cited by 3 submitters); PubMed 31943503 (cited by Women's Health and Genetics/Laboratory Corporation of America, LabCorp).

NM_000048.4(ASL):c.706C>T (p.Arg236Trp)

Gene: ASL (argininosuccinate lyase; plus strand). Cytogenetic location: 7q11.21.
Variant type: single nucleotide variant.
Coding change: c.706C>T on transcript NM_000048.4 (MANE Select); coding-DNA position 706, C replaced by T.
Protein change: p.Arg236Trp; replaces arginine 236 with tryptophan.
Molecular consequence: missense variant.
Genome position (GRCh38, 1-based): chr7:66,087,779, C>T. VCF-style: chr7-66087779-C-T. GRCh37 (hg19) VCF-style: chr7-65552766-C-T.
Other names: c.706C>T, p.Arg236Trp (NM_001024943.2, NM_001024944.2); c.628C>T, p.Arg210Trp (NM_001024946.2); short protein forms R236W, R210W.
Identifiers: ClinVar variation 941054 (VCV000941054.18), dbSNP rs761268464, ClinGen allele CA4277100.